The following is an entry in ClinVar:

NM_006231.4(POLE):c.999dup (p.Val334fs)

Gene: POLE (DNA polymerase epsilon, catalytic subunit; minus strand). Cytogenetic location: 12q24.33.
Variant type: Duplication.
Coding change: c.999dup on transcript NM_006231.4 (MANE Select); coding-DNA position 999, one base duplicated (T; older notation c.999dupT).
Protein change: p.Val334fs; shifts the reading frame from valine 334.
Molecular consequence: frameshift variant.
Genome position (GRCh38, 1-based): chr12:132,676,115, A duplicated on the plus strand (T on the coding strand, the reverse complement: POLE is on the minus strand). VCF-style (leftmost placement, unchanged base first): chr12-132676114-C-CA. GRCh37 (hg19) VCF-style: chr12-133252700-C-CA.
Other names: c.999dupT (NM_006231.2); short protein forms V334fs.
Identifiers: ClinVar variation 843012 (VCV000843012.12), dbSNP rs2043045437, ClinGen allele CA916082386.

ClinVar aggregate classification (germline): Conflicting classifications of pathogenicity. Review status: criteria provided, conflicting classifications (1 of 4 stars). 4 submissions from 4 submitters: Pathogenic (1); Likely pathogenic (1); Uncertain significance (2). Last evaluated 2026-04-09.

Conditions:
POLE-related disorder. Also called: POLE-related condition; POLE-related disorders.
Hereditary cancer-predisposing syndrome. Also called: Hereditary Cancer Syndrome; Neoplastic Syndromes, Hereditary; Hereditary neoplastic syndrome; Tumor predisposition. Identifiers: Orphanet 140162, MedGen C0027672, MeSH D009386, MONDO:0015356.

Allele frequency attached by ClinVar (database versions not stated): gnomAD exomes below 0.00001.

Submissions (4):

Ambry Genetics
Classification: Uncertain significance for Hereditary cancer-predisposing syndrome. Last evaluated: 2026-04-09. Review status: criteria provided, single submitter. Criteria: Ambry Variant Classification Scheme 2023. Collection method: clinical testing. Allele origin: germline.
Comment: The c.999dupT variant, located in coding exon 10 of the POLE gene, results from a duplication of T at nucleotide position 999, causing a translational frameshift with a predicted alternate stop codon (p.V334Cfs*4). This alteration is expected to result in loss of function by premature protein truncation or nonsense-mediated mRNA decay. Although biallelic loss of function of POLE has been associated with autosomal recessive POLE deficiency, haploinsufficiency of POLE has not been established as a mechanism of disease for POLE-related polymerase proofreading-associated polyposis (PPAP) and POLE-related CMMRD-like syndrome. Based on the supporting evidence, this variant is expected to be causative of POLE deficiency when present along with a second pathogenic variant on the other allele; however, its clinical significance for PPAP and POLE-related CMMRD-like syndrome is unclear.

Labcorp Genetics (formerly Invitae), Labcorp
Classification: Pathogenic. Last evaluated: 2025-06-30. Review status: criteria provided, single submitter. Criteria: Invitae Variant Classification Sherloc (09022015). Collection method: clinical testing. Allele origin: germline.
Comment: This sequence change creates a premature translational stop signal (p.Val334Cysfs*4) in the POLE gene. It is expected to result in an absent or disrupted protein product. Loss-of-function variants in POLE are known to be pathogenic (PMID: 23230001, 25948378, 30503519). This variant is not present in population databases (gnomAD no frequency). This variant has not been reported in the literature in individuals affected with POLE-related conditions. ClinVar contains an entry for this variant (Variation ID: 843012). For these reasons, this variant has been classified as Pathogenic.

Blueprint Genetics
Classification: Likely pathogenic for POLE-related disorders. Last evaluated: 2023-10-04. Review status: criteria provided, single submitter. Criteria: ACMG Guidelines, 2015. Collection method: clinical testing. Allele origin: germline. Affected: yes. Observed: 1 variant allele.

Mendelics
Classification: Uncertain significance. Last evaluated: 2022-05-04. Review status: criteria provided, single submitter. Criteria: Mendelics Assertion Criteria 2019. Collection method: clinical testing. Allele origin: germline.

Literature cited by the submitters: PubMed 23230001 (cited by Labcorp Genetics (formerly Invitae), Labcorp); PubMed 25948378 (cited by Labcorp Genetics (formerly Invitae), Labcorp); PubMed 30503519 (cited by Labcorp Genetics (formerly Invitae), Labcorp).